The following is an entry in ClinVar:

NM_003072.5(SMARCA4):c.2186A>G (p.Gln729Arg)

Gene: SMARCA4 (SWI/SNF related BAF chromatin remodeling complex subunit ATPase 4; plus strand). Cytogenetic location: 19p13.2.
Variant type: single nucleotide variant.
Coding change: c.2186A>G on transcript NM_003072.5 (MANE Select); coding-DNA position 2186, A replaced by G.
Protein change: p.Gln729Arg; replaces glutamine 729 with arginine.
Molecular consequence: missense variant. On other transcripts: non-coding transcript variant (1).
Genome position (GRCh38, 1-based): chr19:11,010,443, A>G. VCF-style: chr19-11010443-A-G. GRCh37 (hg19) VCF-style: chr19-11121119-A-G.
Other names: c.2186A>G, p.Gln729Arg (NM_001128845.2, NM_001128846.2, NM_001128847.4 and 6 more transcripts); short protein forms Q729R.
Identifiers: ClinVar variation 3798898 (VCV003798898.1).

ClinVar aggregate classification (germline): Uncertain significance (1 of 4 stars; one submission).

Conditions:
Hereditary cancer-predisposing syndrome. Also called: Neoplastic Syndromes, Hereditary; Hereditary Cancer Syndrome; Tumor predisposition; Hereditary neoplastic syndrome. Identifiers: Orphanet 140162, MedGen C0027672, MeSH D009386, MONDO:0015356.

Submission:

Ambry Genetics
Classification: Uncertain significance for Hereditary cancer-predisposing syndrome. Last evaluated: 2025-01-10. Review status: criteria provided, single submitter. Criteria: Ambry Variant Classification Scheme 2023. Collection method: clinical testing. Allele origin: germline.
Comment: The p.Q729R variant (also known as c.2186A>G), located in coding exon 14 of the SMARCA4 gene, results from an A to G substitution at nucleotide position 2186. The glutamine at codon 729 is replaced by arginine, an amino acid with highly similar properties. This amino acid position is conserved. In addition, the in silico prediction for this alteration is inconclusive. Based on the available evidence, the clinical significance of this variant remains unclear.